The following is an entry in ClinVar:

ClinVar aggregate classification (germline): Uncertain significance. Review status: criteria provided, multiple submitters, no conflicts (2 of 4 stars). 2 submissions from 2 submitters: Uncertain significance (2). Last evaluated 2025-03-04.

Allele frequency attached by ClinVar (database versions not stated): ExAC 0.00002; gnomAD 0.00002; TOPMed 0.00003.
gnomAD v4.1: 8 of 1,613,976 alleles (0.0005%); highest among the groups gnomAD compares: African/African-American, 0.004%; no homozygotes.

Submissions (2):

Center for Genomic Medicine, Rigshospitalet, Copenhagen University Hospital
Classification: Uncertain significance. Last evaluated: 2025-03-04. Review status: criteria provided, single submitter. Criteria: ACMG Guidelines, 2015. Collection method: clinical testing. Allele origin: germline.

Ambry Genetics
Classification: Uncertain significance. Last evaluated: 2023-09-16. Review status: criteria provided, single submitter. Criteria: Ambry Variant Classification Scheme 2023. Collection method: clinical testing. Allele origin: germline.
Comment: The p.R637C variant (also known as c.1909C>T), located in coding exon 1 of the MLH3 gene, results from a C to T substitution at nucleotide position 1909. The arginine at codon 637 is replaced by cysteine, an amino acid with highly dissimilar properties. This amino acid position is conserved. In addition, this alteration is predicted to be tolerated by in silico analysis. Since supporting evidence is limited at this time, the clinical significance of this alteration remains unclear.

NM_001040108.2(MLH3):c.1909C>T (p.Arg637Cys)

Gene: MLH3 (mutL homolog 3; minus strand). Cytogenetic location: 14q24.3.
Variant type: single nucleotide variant.
Coding change: c.1909C>T on transcript NM_001040108.2 (MANE Select); coding-DNA position 1909, C replaced by T.
Protein change: p.Arg637Cys; replaces arginine 637 with cysteine.
Molecular consequence: missense variant.
Genome position (GRCh38, 1-based): chr14:75,047,747, G>A on the plus strand (C>T on the coding strand, the complement: MLH3 is on the minus strand). VCF-style: chr14-75047747-G-A. GRCh37 (hg19) VCF-style: chr14-75514450-G-A.
Other names: c.1909C>T, p.Arg637Cys (NM_014381.3); short protein forms R637C.
Identifiers: ClinVar variation 1782461 (VCV001782461.4), dbSNP rs770613420, ClinGen allele CA7275797.